The following is an entry in ClinVar:

NM_007294.4(BRCA1):c.4039A>G (p.Arg1347Gly)

Genes: BRCA1 (BRCA1 DNA repair associated; minus strand), LOC126862571 (BRD4-independent group 4 enhancer GRCh37_chr17:41243136-41244335; plus strand). Cytogenetic location: 17q21.31.
Variant type: single nucleotide variant.
Coding change: c.4039A>G on transcript NM_007294.4 (MANE Select); coding-DNA position 4039, A replaced by G.
Protein change: p.Arg1347Gly; replaces arginine 1347 with glycine.
Molecular consequence: missense variant. On other transcripts: intron variant (135).
Genome position (GRCh38, 1-based): chr17:43,091,492, T>C on the plus strand (A>G on the coding strand, the complement: BRCA1 is on the minus strand). VCF-style: chr17-43091492-T-C. GRCh37 (hg19) VCF-style: chr17-41243509-T-C.
Other names: p.R1347G:AGA>GGA; 4158A>G; c.647-460A>G (NM_001408410.1, NM_001408458.1, NM_001408469.1 and 11 more transcripts); c.710-460A>G (NM_001408415.1, NM_001408412.1, NM_001408409.1 and 2 more transcripts); c.578-460A>G (NM_001408483.1, NM_001408481.1, NM_001408480.1 and 9 more transcripts); c.665-460A>G (NM_001408442.1, NM_001408426.1, NM_001408436.1 and 12 more transcripts); c.788-460A>G (NM_001407982.1, NM_001407970.1, NM_001407980.1 and 17 more transcripts); c.3826A>G, p.Arg1276Gly (NM_001407571.1, NM_001407853.1, NM_001407894.1 and 9 more transcripts); and 43 more; short protein forms R1347G, R1300G, R1321G, R1344G, R479G, R1179G, R1220G, R1258G.
Identifiers: ClinVar variation 41821 (VCV000041821.136), dbSNP rs28897689, ClinGen allele CA002578.
Genomic context (GRCh38, chr17:43,091,492, plus strand): 5'-TACCTAAGTTTGAATCCATGCTTTGCTCTTCTTGATTATTTTCTTCCAAGCCCGTTCCTC[T>C]TTCTTCATCATCTGAAACCAATTCCTTGTCACTCAGACCAACTCCCTGGCTTTCAGACTG-3'
Protein context (NP_009225.1, residues 1337-1357): DKELVSDDEE[Arg1347Gly]GTGLEENNQE

ClinVar aggregate classification (germline): Benign. Review status: reviewed by expert panel (3 of 4 stars). 50 submissions from 50 submitters: Benign (1). 49 of the submissions do not count toward it. Last evaluated 2015-08-10.

Conditions:
BRCA1-related cancer predisposition. Identifiers: MedGen CN377757, MONDO:0700268.
Hereditary cancer-predisposing syndrome. Also called: Neoplastic Syndromes, Hereditary; Tumor predisposition; Hereditary Cancer Syndrome; Hereditary neoplastic syndrome. Identifiers: Orphanet 140162, MedGen C0027672, MeSH D009386, MONDO:0015356.
Breast and/or ovarian cancer. Identifiers: MedGen CN221562.
Hereditary breast ovarian cancer syndrome. Also called: Hereditary breast and ovarian cancer; Hereditary breast and ovarian cancer syndrome; Hereditary breast and ovarian cancer syndrome (HBOC); Hereditary breast and/or ovarian cancer syndrome; Breast and ovarian cancer; BRCA1- and BRCA2-Associated Hereditary Breast and Ovarian Cancer. Identifiers: Orphanet 145, MedGen C0677776, MeSH D061325, MONDO:0003582. Disease mechanism: loss of function.
Breast-ovarian cancer, familial, susceptibility to, 1 (BROVCA1). Also called: BRCA1 Hereditary Breast and Ovarian Cancer; OVARIAN CANCER, SUSCEPTIBILITY TO. Identifiers: Orphanet 145, MedGen C2676676, MONDO:0011450, OMIM 604370. Disease mechanism: loss of function.
Familial cancer of breast. Also called: Hereditary breast cancer; BREAST CANCER, FAMILIAL; hereditary breast carcinoma. Identifiers: Orphanet 227535, MedGen C0346153, MONDO:0016419, OMIM 114480. Disease mechanism: loss of function.

Allele frequency attached by ClinVar (database versions not stated): 1000 Genomes Project 30x 0.00109; gnomAD 0.00391 and 0.00419; ExAC 0.00398; 1000 Genomes Project 0.00060; gnomAD exomes 0.00382; ESP Exome Variant Server 0.00484; TOPMed 0.00410.
gnomAD v4.1: 9,320 of 1,613,538 alleles (0.58%); highest among the groups gnomAD compares: Non-Finnish European, 0.72%; 40 homozygotes.

Submissions 1 to 17 of 50:

Evidence-based Network for the Interpretation of Germline Mutant Alleles (ENIGMA)
Classification: Benign for Breast-ovarian cancer, familial 1. Last evaluated: 2015-08-10. Review status: reviewed by expert panel. Criteria: ENIGMA BRCA1/2 Classification Criteria (2015). Collection method: curation. Allele origin: germline.
Comment: IARC class based on posterior probability from multifactorial likelihood analysis, thresholds for class as per Plon et al. 2008 (PMID: 18951446). Class 1 based on posterior probability = 0.00000000000204

CeGaT Center for Human Genetics Tuebingen
Classification: Likely benign. Last evaluated: 2026-07-01. Review status: criteria provided, single submitter. Criteria: CeGaT Center For Human Genetics Tuebingen Variant Classification Criteria Version 2. Collection method: clinical testing. Allele origin: germline. Affected: yes. Observed: 62 variant alleles. Not counted in ClinVar's aggregate classification.
Comment: BRCA1: BP4, BS2

Labcorp Genetics (formerly Invitae), Labcorp
Classification: Benign for Hereditary breast ovarian cancer syndrome. Last evaluated: 2026-02-03. Review status: criteria provided, single submitter. Criteria: Invitae Variant Classification Sherloc (09022015). Collection method: clinical testing. Allele origin: germline. Not counted in ClinVar's aggregate classification.

Dasa
Classification: Benign. Last evaluated: 2025-11-01. Review status: criteria provided, single submitter. Criteria: DASA Assertion Criteria. Collection method: clinical testing. Allele origin: germline. Not counted in ClinVar's aggregate classification.
Comment: NM_007294.4(BRCA1):c.4039A>G (p.Arg1347Gly) is a missense variant that results in the substitution of arginine with glycine. Population frequency is inconsistent with a disease-causing role for this variant, and observations in unaffected individuals support a benign interpretation. Computational prediction algorithms are consistent with a benign effect. Therefore, based on the currently available evidence, this variant is classified as benign.

ARUP Laboratories, Molecular Genetics and Genomics, ARUP Laboratories
Classification: Benign. Last evaluated: 2025-07-13. Review status: criteria provided, single submitter. Criteria: ARUP Molecular Germline Variant Investigation Process 2024. Collection method: clinical testing. Allele origin: germline. Not counted in ClinVar's aggregate classification.

Center for Genomic Medicine, Rigshospitalet, Copenhagen University Hospital
Classification: Benign. Last evaluated: 2025-03-04. Review status: criteria provided, single submitter. Criteria: ACMG Guidelines, 2015. Collection method: clinical testing. Allele origin: germline. Not counted in ClinVar's aggregate classification.

Blueprint Genetics
Classification: Likely benign. Last evaluated: 2024-11-27. Review status: criteria provided, single submitter. Criteria: ACMG Guidelines, 2015. Collection method: clinical testing. Allele origin: germline. Not counted in ClinVar's aggregate classification.

All of Us Research Program, National Institutes of Health
Classification: Benign for BRCA1-related cancer predisposition. Last evaluated: 2024-09-27. Review status: criteria provided, single submitter. Criteria: ACMG Guidelines, 2015. Collection method: clinical testing. Allele origin: germline. Inheritance: Autosomal dominant inheritance. Observed: 1,528 variant alleles, 1,527 heterozygotes, 1 homozygote. Not counted in ClinVar's aggregate classification.
Comment: This study involves interpretation of variants in research participants for the purpose of population health screening. Participant phenotype was not available at the time of variant classification. Additional details can be found in publication PMID: 35346344, PMCID: PMC8962531

KCCC/NGS Laboratory, Kuwait Cancer Control Center
Classification: Benign for Breast-ovarian cancer, familial, susceptibility to, 1. Last evaluated: 2023-07-07. Review status: criteria provided, single submitter. Criteria: ACMG Guidelines, 2015. Collection method: clinical testing. Allele origin: germline. Affected: yes. Not counted in ClinVar's aggregate classification.

CHEO Genetics Diagnostic Laboratory, Children's Hospital of Eastern Ontario
Classification: Benign for Breast and/or ovarian cancer. Last evaluated: 2023-05-26. Review status: criteria provided, single submitter. Criteria: ACMG Guidelines, 2015. Collection method: clinical testing. Allele origin: germline. Not counted in ClinVar's aggregate classification.

National Health Laboratory Service, Universitas Academic Hospital and University of the Free State
Classification: Benign for Hereditary breast ovarian cancer syndrome. Last evaluated: 2022-04-19. Review status: criteria provided, single submitter. Criteria: ACMG Guidelines, 2015. Collection method: clinical testing. Allele origin: germline. Affected: yes. Observed: 6 variant alleles. Not counted in ClinVar's aggregate classification.

Genetics Program, Instituto Nacional de Cancer
Classification: Benign for Hereditary breast ovarian cancer syndrome. Last evaluated: 2021-11-01. Review status: criteria provided, single submitter. Criteria: ACMG Guidelines, 2015. Collection method: research. Allele origin: germline. Affected: yes. Not counted in ClinVar's aggregate classification.

Sema4
Classification: Benign for Hereditary cancer-predisposing syndrome. Last evaluated: 2020-10-01. Review status: criteria provided, single submitter. Criteria: Sema4 Curation Guidelines. Collection method: curation. Allele origin: germline. Not counted in ClinVar's aggregate classification.

Mendelics
Classification: Benign for Breast-ovarian cancer, familial, susceptibility to, 1. Last evaluated: 2019-05-28. Review status: criteria provided, single submitter. Criteria: Mendelics Assertion Criteria 2017. Collection method: clinical testing. Allele origin: unknown. Not counted in ClinVar's aggregate classification.

Genetic Services Laboratory, University of Chicago
Classification: Benign. Last evaluated: 2019-02-08. Review status: criteria provided, single submitter. Criteria: ACMG Guidelines, 2015. Collection method: clinical testing. Allele origin: germline. Affected: no. Not counted in ClinVar's aggregate classification.

Institute of Human Genetics, University of Leipzig Medical Center
Classification: Uncertain significance for Breast-ovarian cancer, familial, susceptibility to, 1. Last evaluated: 2018-07-09. Review status: criteria provided, single submitter. Criteria: ACMG Guidelines, 2015. Collection method: clinical testing. Allele origin: germline. Affected: yes. Observed: 1 variant allele. Not counted in ClinVar's aggregate classification.

Institute for Genomic Medicine (IGM) Clinical Laboratory, Nationwide Children's Hospital
Classification: Likely benign. Last evaluated: 2017-06-12. Review status: criteria provided, single submitter. Criteria: ACMG Guidelines, 2015. Collection method: clinical testing. Allele origin: germline. Not counted in ClinVar's aggregate classification.
Comment: BS1,BP1,BP6; This alteration has an allele frequency that is greater than expected for the associated disease, is a missense alteration in a gene for which primarily truncating variants are known to cause disease, and was reported as a benign/likely benign alteration by a reputable source (ClinVar or other correspondence from a clinical testing laboratory).